The following is an entry in ClinVar:

ClinVar aggregate classification (germline): Benign/Likely benign. Review status: criteria provided, multiple submitters, no conflicts (2 of 4 stars). 8 submissions from 8 submitters: Benign (5); Likely benign (3). Last evaluated 2026-02-04.

Conditions:
Neurofibromatosis, type 1 (NF1). Also called: Neurofibromatosis, type I; Peripheral type neurofibromatosis; VON RECKLINGHAUSEN DISEASE; NEUROFIBROMATOSIS, TYPE I, SOMATIC. Identifiers: Orphanet 636, MedGen C0027831, MONDO:0018975, OMIM 162200. Disease mechanism: loss of function.
Hereditary cancer-predisposing syndrome. Also called: Hereditary Cancer Syndrome; Hereditary neoplastic syndrome; Neoplastic Syndromes, Hereditary; Tumor predisposition. Identifiers: Orphanet 140162, MedGen C0027672, MeSH D009386, MONDO:0015356.

Allele frequency attached by ClinVar (database versions not stated): ExAC 0.00027; gnomAD exomes 0.00028; ESP Exome Variant Server 0.00092; 1000 Genomes Project 0.00100; 1000 Genomes Project 30x 0.00109; gnomAD 0.00113 and 0.00124; TOPMed 0.00122.
gnomAD v4.1: 340 of 1,612,664 alleles (0.021%); highest among the groups gnomAD compares: African/African-American, 0.39%; 1 homozygote.

Submissions (8):

Labcorp Genetics (formerly Invitae), Labcorp
Classification: Benign for Neurofibromatosis, type 1. Last evaluated: 2026-02-04. Review status: criteria provided, single submitter. Criteria: Invitae Variant Classification Sherloc (09022015). Collection method: clinical testing. Allele origin: germline.

Myriad Genetics, Inc.
Classification: Benign for Neurofibromatosis, type 1. Last evaluated: 2026-01-27. Review status: criteria provided, single submitter. Criteria: Myriad Autosomal Dominant, Autosomal Recessive and X-Linked Classification Criteria (2023). Collection method: clinical testing. Allele origin: unknown.
Comment: This variant is considered benign. This variant is intronic and is not expected to impact mRNA splicing. This variant has been observed at a population frequency that is significantly greater than expected given the associated disease prevalence and penetrance.

Blueprint Genetics
Classification: Likely benign. Last evaluated: 2022-05-03. Review status: criteria provided, single submitter. Criteria: ACMG Guidelines, 2015. Collection method: clinical testing. Allele origin: germline.

Genome-Nilou Lab
Classification: Benign for Neurofibromatosis, type 1. Last evaluated: 2022-03-15. Review status: criteria provided, single submitter. Criteria: ACMG Guidelines, 2015. Collection method: clinical testing. Allele origin: germline. Affected: no.

Sema4
Classification: Benign for Hereditary cancer-predisposing syndrome. Last evaluated: 2020-11-05. Review status: criteria provided, single submitter. Criteria: Sema4 Curation Guidelines. Collection method: curation. Allele origin: germline.

GeneDx
Classification: Likely benign. Last evaluated: 2018-01-11. Review status: criteria provided, single submitter. Criteria: GeneDx Variant Classification (06012015). Collection method: clinical testing. Allele origin: germline. Affected: yes.
Comment: This variant is considered likely benign or benign based on one or more of the following criteria: it is a conservative change, it occurs at a poorly conserved position in the protein, it is predicted to be benign by multiple in silico algorithms, and/or has population frequency not consistent with disease.

ARUP Laboratories, Molecular Genetics and Genomics, ARUP Laboratories
Classification: Benign. Last evaluated: 2016-09-29. Review status: criteria provided, single submitter. Criteria: ARUP Molecular Germline Variant Investigation Process. Collection method: clinical testing. Allele origin: germline.

PreventionGenetics, part of Exact Sciences
Classification: Likely benign. Last evaluated: 2014-02-20. Review status: criteria provided, single submitter. Criteria: ACMG Guidelines, 2015. Collection method: clinical testing. Allele origin: germline.

NM_001042492.3(NF1):c.1846-12A>T

Gene: NF1 (neurofibromin 1; plus strand). Cytogenetic location: 17q11.2.
Variant type: single nucleotide variant.
Coding change: c.1846-12A>T on transcript NM_001042492.3 (MANE Select); 12 bases into the intron before coding-DNA position 1846, A replaced by T.
Molecular consequence: intron variant.
Genome position (GRCh38, 1-based): chr17:31,225,083, A>T. VCF-style: chr17-31225083-A-T. GRCh37 (hg19) VCF-style: chr17-29552101-A-T.
Other names: c.1846-12A>T (NM_000267.4).
Identifiers: ClinVar variation 439980 (VCV000439980.18), dbSNP rs188510882, ClinGen allele CA8485871.